The following is an entry in ClinVar:

ClinVar aggregate classification (germline): Benign (0 of 4 stars; one submission).

Conditions:
ARMC2-related disorder. Also called: ARMC2-related condition.

Allele frequency attached by ClinVar (database versions not stated): gnomAD exomes 0.00284; ExAC 0.00907; ESP Exome Variant Server 0.02834; gnomAD 0.02966; TOPMed 0.03300; 1000 Genomes Project 0.03694; 1000 Genomes Project 30x 0.03748.
gnomAD v4.1: 8,886 of 1,607,698 alleles (0.55%); highest among the groups gnomAD compares: African/African-American, 10%; 419 homozygotes.

Submission:

PreventionGenetics, part of Exact Sciences
Classification: Benign for ARMC2-related condition. Last evaluated: 2019-11-06. Review status: no assertion criteria provided. Collection method: clinical testing. Allele origin: germline.
Comment: This variant is classified as benign based on ACMG/AMP sequence variant interpretation guidelines (Richards et al. 2015 PMID: 25741868, with internal and published modifications).

NM_032131.6(ARMC2):c.1888A>G (p.Ile630Val)

Gene: ARMC2 (armadillo repeat containing 2; plus strand). Cytogenetic location: 6q21.
Variant type: single nucleotide variant.
Coding change: c.1888A>G on transcript NM_032131.6 (MANE Select); coding-DNA position 1888, A replaced by G.
Protein change: p.Ile630Val; replaces isoleucine 630 with valine.
Molecular consequence: missense variant.
Genome position (GRCh38, 1-based): chr6:108,953,324, A>G. VCF-style: chr6-108953324-A-G. GRCh37 (hg19) VCF-style: chr6-109274527-A-G.
Other names: c.1393A>G, p.Ile465Val (NM_001286609.2); short protein forms I465V, I630V.
Identifiers: ClinVar variation 3056500 (VCV003056500.2), dbSNP rs113651966, ClinGen allele CA3950048.